The following is an entry in ClinVar:

ClinVar aggregate classification (germline): Uncertain significance (1 of 4 stars; one submission).

gnomAD v4.1: 176 of 1,613,918 alleles (0.011%); highest among the groups gnomAD compares: Non-Finnish European, 0.014%; no homozygotes.

Submission:

GeneDx
Classification: Uncertain significance. Last evaluated: 2025-08-06. Review status: criteria provided, single submitter. Criteria: GeneDx Variant Classification Process June 2021. Collection method: clinical testing. Allele origin: germline. Affected: yes.
Comment: In silico analysis suggests that this missense variant does not alter protein structure/function; Has not been previously published as pathogenic or benign to our knowledge

NM_018897.3(DNAH7):c.3459C>G (p.Asn1153Lys)

Gene: DNAH7 (dynein axonemal heavy chain 7; minus strand). Cytogenetic location: 2q32.3.
Variant type: single nucleotide variant.
Coding change: c.3459C>G on transcript NM_018897.3 (MANE Select); coding-DNA position 3459, C replaced by G.
Protein change: p.Asn1153Lys; replaces asparagine 1153 with lysine.
Molecular consequence: missense variant.
Genome position (GRCh38, 1-based): chr2:195,934,603, G>C on the plus strand (C>G on the coding strand, the complement: DNAH7 is on the minus strand). VCF-style: chr2-195934603-G-C. GRCh37 (hg19) VCF-style: chr2-196799327-G-C.
Other names: short protein forms N1153K.
Identifiers: ClinVar variation 4756011 (VCV004756011.1).